The following is an entry in ClinVar:

ClinVar aggregate classification (germline): Likely pathogenic (1 of 4 stars; one submission).

Submission:

Dasa
Classification: Likely pathogenic. Last evaluated: 2025-04-21. Review status: criteria provided, single submitter. Criteria: DASA Assertion Criteria. Collection method: clinical testing. Allele origin: germline.
Comment: NM_000384.3(APOB):c.8786G>A (p.Trp2929*) is a nonsense variant in APOB predicted to introduce a premature termination codon and is predicted to result in an absent or altered protein product. Loss of function is an established disease mechanism for APOB (PMID: 27179706; PMID: 1527480; PMID: 2843815). Also, this variant is absent from population databases. Based on the currently available evidence, this variant is classified as likely pathogenic.

Literature cited by the submitters: PubMed 27179706; PubMed 1527480; PubMed 2843815.

NM_000384.3(APOB):c.8786G>A (p.Trp2929Ter)

Gene: APOB (apolipoprotein B; minus strand). Cytogenetic location: 2p24.1.
Variant type: single nucleotide variant.
Coding change: c.8786G>A on transcript NM_000384.3 (MANE Select); coding-DNA position 8786, G replaced by A.
Protein change: p.Trp2929Ter; replaces tryptophan 2929 with a stop codon.
Molecular consequence: nonsense.
Genome position (GRCh38, 1-based): chr2:21,008,082, C>T on the plus strand (G>A on the coding strand, the complement: APOB is on the minus strand). VCF-style: chr2-21008082-C-T. GRCh37 (hg19) VCF-style: chr2-21230954-C-T.
Other names: short protein forms W2929*.
Identifiers: ClinVar variation 4885427 (VCV004885427.2).
Genomic context (GRCh38, chr2:21,008,082, plus strand): 5'-GTGAAACTAATTTGTGATTCATGTGTTCCCTCATCTGAGAATCTGGGGCAGGCCCATTTC[C>T]ATGACCCTTTTCCAGAAGAAGTCCATGCTATGTGGCCAGCTTTCAACAGTGTCTTGATCT-3'